The following is an entry in ClinVar:

NM_000077.5(CDKN2A):c.57C>G (p.Ala19=)

Gene: CDKN2A (cyclin dependent kinase inhibitor 2A; minus strand). Cytogenetic location: 9p21.3.
Variant type: single nucleotide variant.
Coding change: c.57C>G on transcript NM_000077.5; coding-DNA position 57, C replaced by G.
Protein change: p.Ala19=; no amino-acid change (alanine 19 retained).
Molecular consequence: synonymous variant (on NM_000077.6). On other transcripts: intron variant (2).
Genome position (GRCh38, 1-based): chr9:21,974,771, G>C on the plus strand (C>G on the coding strand, the complement: CDKN2A is on the minus strand). VCF-style: chr9-21974771-G-C. GRCh37 (hg19) VCF-style: chr9-21974770-G-C.
Other names: c.57C>G, p.Ala19= (NM_000077.6, NM_001195132.2, NM_058197.5); c.-3-3563C>G (NM_001363763.2); c.194-3563C>G (NM_058195.4).
Identifiers: ClinVar variation 1077933 (VCV001077933.11), dbSNP rs1060504186, ClinGen allele CA464100183.

ClinVar aggregate classification (germline): Benign/Likely benign. Review status: criteria provided, multiple submitters, no conflicts (2 of 4 stars). 3 submissions from 3 submitters: Benign (1); Likely benign (2). Last evaluated 2026-01-19.

Conditions:
Familial melanoma. Also called: Hereditary melanoma; Hereditary cutaneous melanoma. Identifiers: Orphanet 618, MedGen C1512419, MONDO:0018961.
Melanoma-pancreatic cancer syndrome. Identifiers: Orphanet 404560, MedGen C1838547, MONDO:0011713, OMIM 606719. Disease mechanism: loss of function.
Hereditary cancer-predisposing syndrome. Also called: Hereditary Cancer Syndrome; Neoplastic Syndromes, Hereditary; Tumor predisposition; Hereditary neoplastic syndrome. Identifiers: Orphanet 140162, MedGen C0027672, MeSH D009386, MONDO:0015356.

gnomAD v4.1: 1 of 1,607,516 alleles (0.000062%); highest among the groups gnomAD compares: Non-Finnish European, 0.000085%; no homozygotes.

Submissions (3):

Labcorp Genetics (formerly Invitae), Labcorp
Classification: Likely benign for Familial melanoma. Last evaluated: 2026-01-19. Review status: criteria provided, single submitter. Criteria: Invitae Variant Classification Sherloc (09022015). Collection method: clinical testing. Allele origin: germline.

Myriad Genetics, Inc.
Classification: Benign for Melanoma-pancreatic cancer syndrome. Last evaluated: 2025-08-13. Review status: criteria provided, single submitter. Criteria: Myriad Autosomal Dominant, Autosomal Recessive and X-Linked Classification Criteria (2023). Collection method: clinical testing. Allele origin: unknown.
Comment: This variant is considered benign. This variant is a silent/synonymous amino acid change and it is not expected to impact splicing.

Ambry Genetics
Classification: Likely benign for Hereditary cancer-predisposing syndrome. Last evaluated: 2024-10-08. Review status: criteria provided, single submitter. Criteria: Ambry Variant Classification Scheme 2023. Collection method: clinical testing. Allele origin: germline.